The following is an entry in ClinVar:

NM_024753.5(TTC21B):c.1995A>G (p.Leu665=)

Gene: TTC21B (tetratricopeptide repeat domain 21B; minus strand). Cytogenetic location: 2q24.3.
Variant type: single nucleotide variant.
Coding change: c.1995A>G on transcript NM_024753.5 (MANE Select); coding-DNA position 1995, A replaced by G.
Protein change: p.Leu665=; no amino-acid change (leucine 665 retained).
Molecular consequence: synonymous variant.
Genome position (GRCh38, 1-based): chr2:165,915,344, T>C on the plus strand (A>G on the coding strand, the complement: TTC21B is on the minus strand). VCF-style: chr2-165915344-T-C. GRCh37 (hg19) VCF-style: chr2-166771854-T-C.
Identifiers: ClinVar variation 4997319 (VCV004997319.1).

ClinVar aggregate classification (germline): Likely benign (1 of 4 stars; one submission).

Conditions:
TTC21B-related disorder. Also called: TTC21B-related disorders; TTC21B-related condition.

Submission:

PreventionGenetics, part of Exact Sciences
Classification: Likely benign for TTC21B-related condition. Last evaluated: 2024-10-28. Review status: criteria provided, single submitter. Criteria: ACMG Guidelines, 2015. Collection method: clinical testing. Allele origin: germline.
Comment: This variant is classified as likely benign based on ACMG/AMP sequence variant interpretation guidelines (Richards et al. 2015 PMID: 25741868, with internal and published modifications).